The following is an entry in ClinVar:

ClinVar aggregate classification (germline): Uncertain significance (1 of 4 stars; one submission).

Conditions:
Osteogenesis imperfecta type I (OI1). Also called: Lobstein disease; OI, TYPE I; OSTEOGENESIS IMPERFECTA TARDA; OSTEOGENESIS IMPERFECTA WITH BLUE SCLERAE; Osteogenesis imperfecta type 1; Classic Non-deforming Osteogenesis Imperfecta with Blue Sclerae. Identifiers: Orphanet 216796, Orphanet 666, MedGen C0023931, MONDO:0008146, OMIM 166200. Disease mechanism: loss of function.

Submission:

Labcorp Genetics (formerly Invitae), Labcorp
Classification: Uncertain significance for Osteogenesis imperfecta type I. Last evaluated: 2023-07-17. Review status: criteria provided, single submitter. Criteria: Invitae Variant Classification Sherloc (09022015). Collection method: clinical testing. Allele origin: germline.
Comment: This sequence change replaces leucine, which is neutral and non-polar, with proline, which is neutral and non-polar, at codon 163 of the COL1A1 protein (p.Leu163Pro). This variant is not present in population databases (gnomAD no frequency). This variant has not been reported in the literature in individuals affected with COL1A1-related conditions. ClinVar contains an entry for this variant (Variation ID: 2105751). Advanced modeling of protein sequence and biophysical properties (such as structural, functional, and spatial information, amino acid conservation, physicochemical variation, residue mobility, and thermodynamic stability) has been performed at Invitae for this missense variant, however the output from this modeling did not meet the statistical confidence thresholds required to predict the impact of this variant on COL1A1 protein function. In summary, the available evidence is currently insufficient to determine the role of this variant in disease. Therefore, it has been classified as a Variant of Uncertain Significance.

NM_000088.4(COL1A1):c.488T>C (p.Leu163Pro)

Gene: COL1A1 (collagen type I alpha 1 chain; minus strand). Cytogenetic location: 17q21.33.
Variant type: single nucleotide variant.
Coding change: c.488T>C on transcript NM_000088.4 (MANE Select); coding-DNA position 488, T replaced by C.
Protein change: p.Leu163Pro; replaces leucine 163 with proline.
Molecular consequence: missense variant.
Genome position (GRCh38, 1-based): chr17:50,198,488, A>G on the plus strand (T>C on the coding strand, the complement: COL1A1 is on the minus strand). VCF-style: chr17-50198488-A-G. GRCh37 (hg19) VCF-style: chr17-48275849-A-G.
Other names: short protein forms L163P.
Identifiers: ClinVar variation 2105751 (VCV002105751.4), dbSNP rs2509249992, ClinGen allele CA400226374.